The following is an entry in ClinVar:

NM_000136.3(FANCC):c.843+4C>T

Genes: FANCC (FA complementation group C; minus strand), AOPEP (aminopeptidase O (putative); plus strand). Cytogenetic location: 9q22.32.
Variant type: single nucleotide variant.
Coding change: c.843+4C>T on transcript NM_000136.3 (MANE Select); 4 bases into the intron after coding-DNA position 843, C replaced by T.
Molecular consequence: intron variant.
Genome position (GRCh38, 1-based): chr9:95,135,342, G>A on the plus strand (C>T on the coding strand, the complement: FANCC is on the minus strand). VCF-style: chr9-95135342-G-A. GRCh37 (hg19) VCF-style: chr9-97897624-G-A.
Other names: c.843+4C>T (NM_001243743.2, NM_001243744.2).
Identifiers: ClinVar variation 220920 (VCV000220920.36), dbSNP rs4647506, ClinGen allele CA350870.

ClinVar aggregate classification (germline): Benign/Likely benign. Review status: criteria provided, multiple submitters, no conflicts (2 of 4 stars). 16 submissions from 16 submitters: Benign (9); Likely benign (3). 4 of the submissions do not count toward it. Last evaluated 2026-02-04.

Conditions:
Hereditary cancer-predisposing syndrome. Also called: Hereditary neoplastic syndrome; Tumor predisposition; Hereditary Cancer Syndrome; Neoplastic Syndromes, Hereditary. Identifiers: Orphanet 140162, MedGen C0027672, MeSH D009386, MONDO:0015356.
Fanconi anemia (FA). Also called: Fanconi's anemia. Identifiers: Orphanet 84, MedGen C0015625, MeSH D005199, MONDO:0019391.
Fanconi anemia complementation group C (FANCC). Also called: FANCC-Related Fanconi Anemia; Fanconi anemia, group C; FANCONI PANCYTOPENIA, TYPE 3; FACC. Identifiers: Orphanet 84, MedGen C3468041, MONDO:0009213, OMIM 227645.
Malignant tumor of breast. Also called: Cancer breast; Malignant breast neoplasm. Identifiers: MedGen C0006142, MONDO:0007254. Disease mechanism: loss of function.

Allele frequency attached by ClinVar (database versions not stated): gnomAD exomes 0.00134 and 0.00344; ExAC 0.00416; 1000 Genomes Project 0.01238; 1000 Genomes Project 30x 0.01280; gnomAD 0.01342 and 0.01468; TOPMed 0.01490; ESP Exome Variant Server 0.01507.
gnomAD v4.1: 4,096 of 1,613,328 alleles (0.25%); highest among the groups gnomAD compares: African/African-American, 4.6%; 76 homozygotes.

Submissions (16):

Labcorp Genetics (formerly Invitae), Labcorp
Classification: Benign for Fanconi anemia. Last evaluated: 2026-02-04. Review status: criteria provided, single submitter. Criteria: Invitae Variant Classification Sherloc (09022015). Collection method: clinical testing. Allele origin: germline.

Quest Diagnostics Nichols Institute San Juan Capistrano
Classification: Benign. Last evaluated: 2025-07-02. Review status: criteria provided, single submitter. Criteria: Quest Diagnostics criteria. Collection method: clinical testing. Allele origin: unknown.

Molecular Diagnostics Laboratory, Catalan Institute of Oncology
Classification: Benign for Hereditary cancer-predisposing syndrome. Last evaluated: 2025-05-18. Review status: criteria provided, single submitter. Criteria: ACMG Guidelines, 2015. Collection method: clinical testing. Allele origin: germline.
Comment: BA1 FANCC: c.843+4C>T is an intronic variant located close to a canonical splice site. The variant allele was found in 1105/23600 (26 homozygotes) alleles, with a filtering allele frequency of 4.4% at 99% confidence, within the African population in the gnomAD v2.1.1 database (non-cancer data set)(BA1). The SpliceAI algorithm predicts no significant impact on splicing. To our knowledge, neither relevant clinical data nor well-established functional studies have been reported for this variant. This variant has been reported in the ClinVar database (11x benign, 3x likely benign) but is not preent in the LOVD database. Based on currently available information, the variant c.843+4C>T is classified as a benign variant, according to ACMG guidelines.

ARUP Laboratories, Molecular Genetics and Genomics, ARUP Laboratories
Classification: Benign for Fanconi anemia complementation group C. Last evaluated: 2025-01-13. Review status: criteria provided, single submitter. Criteria: ARUP Molecular Germline Variant Investigation Process 2024. Collection method: clinical testing. Allele origin: germline.

KCCC/NGS Laboratory, Kuwait Cancer Control Center
Classification: Benign for Fanconi anemia complementation group C. Last evaluated: 2023-07-07. Review status: criteria provided, single submitter. Criteria: ACMG Guidelines, 2015. Collection method: clinical testing. Allele origin: germline. Affected: yes.

Fulgent Genetics
Classification: Likely benign for Fanconi anemia complementation group C. Last evaluated: 2022-05-01. Review status: criteria provided, single submitter. Criteria: ACMG Guidelines, 2015. Collection method: clinical testing. Allele origin: unknown.

Illumina Laboratory Services, Illumina
Classification: Benign for Fanconi anemia complementation group C. Last evaluated: 2018-01-13. Review status: criteria provided, single submitter. Criteria: ICSL Variant Classification Criteria 13 December 2019. Collection method: clinical testing. Allele origin: germline.
Comment: This variant was observed in the ICSL laboratory as part of a predisposition screen in an ostensibly healthy population. It had not been previously curated by ICSL or reported in the Human Gene Mutation Database (HGMD: prior to June 1st, 2018), and was therefore a candidate for classification through an automated scoring system. Utilizing variant allele frequency, disease prevalence and penetrance estimates, and inheritance mode, an automated score was calculated to assess if this variant is too frequent to cause the disease. Based on the score and internal cut-off values, a variant classified as benign is not then subjected to further curation. The score for this variant resulted in a classification of benign for this disease.

Ambry Genetics
Classification: Benign for Hereditary cancer-predisposing syndrome. Last evaluated: 2016-08-18. Review status: criteria provided, single submitter. Criteria: Ambry Variant Classification Scheme 2023. Collection method: clinical testing. Allele origin: germline.

Women's Health and Genetics/Laboratory Corporation of America, LabCorp
Classification: Benign. Last evaluated: 2016-04-29. Review status: criteria provided, single submitter. Criteria: LabCorp Variant Classification Summary - May 2015. Collection method: clinical testing. Allele origin: germline.
Comment: Variant summary: The FANCC c.843+4C>T variant affects a non-conserved intronic nucleotide. Mutation Taster predicts a damaging outcome for this intronic variant, but 5/5 Alamut algorithms predict no significant change to the splice donor site. However, this variant has not been evaluated for functional impact by in vivo/vitro studies. This variant was found in 504/121048 control chromosomes (6 homozygotes) at a frequency of 0.0041636. The variant is observed primarily in the African subpopulation at a frequency of 4.5%, which is about 25 times the maximal expected frequency of a pathogenic FANCC allele (0.0017678), strong evidence that this variant is benign. The variant of interest has not, to our knowledge, been reported in affected individuals via publications and/or reputable databases/clinical laboratories. In addition, a clinical laboratory classified this variant as benign. Taken together, this variant was classified as benign.

Center for Pediatric Genomic Medicine, Children's Mercy Hospital and Clinics
Classification: Likely benign. Last evaluated: 2015-09-28. Review status: criteria provided, single submitter. Criteria: ACMG Guidelines, 2015. Collection method: clinical testing. Allele origin: germline.
ClinVar note: Converted during submission from Likely Benign to Likely benign.

GeneDx
Classification: Benign. Last evaluated: 2015-03-03. Review status: criteria provided, single submitter. Criteria: GeneDx Variant Classification Process June 2021. Collection method: clinical testing. Allele origin: germline. Affected: yes.

Breakthrough Genomics
Classification: Likely benign. Review status: criteria provided, single submitter. Criteria: ACMG Guidelines, 2015. Collection method: not provided. Allele origin: germline. Inheritance: Autosomal recessive inheritance. Affected: yes.

Natera, Inc.
Classification: Benign for Fanconi anemia. Last evaluated: 2017-08-09. Review status: no assertion criteria provided. Collection method: clinical testing. Allele origin: germline. Not counted in ClinVar's aggregate classification.

Department of Pathology and Laboratory Medicine, Sinai Health System
Classification: Benign for Malignant tumor of breast. Review status: no assertion criteria provided. Collection method: clinical testing. Allele origin: unknown. Affected: yes. Study: The Canadian Open Genetics Repository (COGR). Not counted in ClinVar's aggregate classification.
Comment: The FANCC c.843+4C>T variant was not identified in the literature nor was it identified in the Cosmic, MutDB, or LOVD 3.0 databases. The variant was identified in dbSNP (ID: rs4647506) as â€šÃ„ÃºWith other alleleâ€šÃ„Ã¹, ClinVar (as benign by Invitae, Ambry Genetics, and Laboratory Corporation of America, and as likely benign by Center for Pediatric Genomic Medicine and Illumina), and Clinvitae (as in ClinVar) databases. The variant was identified in control databases in 1227 of 277134 chromosomes (28 homozygous) at a frequency of 0.004427 increasing the likelihood this could be a low frequency benign variant (Genome Aggregation Database Feb 27, 2017). Breakdown of the observations by population include African in 1107 of 24010 chromosomes (freq: 0.04611), Other in 12 of 6468 chromosomes (freq: 0.001855), Latino in 80 of 34414 chromosomes (freq: 0.002325), European (Non-Finnish) in 17 of 126670 chromosomes (freq: 0.000134), and South Asian in 11 of 30772 chromosomes (freq: 0.000358), while the variant was not observed in the Ashkenazi Jewish, East Asian, or European (Finnish) populations. The c.843+4C>T variant is located in the 5' splice region but does not affect the invariant +1 and +2 positions. However, positions +3 to +6 are part of the splicing consensus sequence and variants involving these positions sometimes affect splicing. 1 of 5 in silico or computational prediction software programs (SpliceSiteFinder, MaxEntScan, NNSPLICE, GeneSplicer, HumanSpliceFinder) predict a greater than 10% difference in splicing; this is not very predictive of pathogenicity. In summary, based on the above information this variant meets our laboratory's criteria to be classified as benign.

Genome Diagnostics Laboratory, Amsterdam University Medical Center
Classification: Benign. Review status: no assertion criteria provided. Collection method: clinical testing. Allele origin: germline. Affected: yes. Study: VKGL Data-share Consensus. Not counted in ClinVar's aggregate classification.

Laboratory of Diagnostic Genome Analysis, Leiden University Medical Center (LUMC)
Classification: Likely benign. Review status: no assertion criteria provided. Collection method: clinical testing. Allele origin: germline. Affected: yes. Study: VKGL Data-share Consensus. Not counted in ClinVar's aggregate classification.